The following is an entry in ClinVar:

ClinVar aggregate classification (germline): Likely benign (1 of 4 stars; one submission).

Allele frequency attached by ClinVar (database versions not stated): 1000 Genomes Project 0.00439; gnomAD 0.00471 and 0.00506; 1000 Genomes Project 30x 0.00484; TOPMed 0.00536.
gnomAD v4.1: 714 of 152,236 alleles (0.47%); highest among the groups gnomAD compares: African/African-American, 1.6%; 7 homozygotes.

Submission:

GeneDx
Classification: Likely benign. Last evaluated: 2018-06-19. Review status: criteria provided, single submitter. Criteria: GeneDx Variant Classification (06012015). Collection method: clinical testing. Allele origin: germline. Affected: yes.
Comment: This variant is considered likely benign or benign based on one or more of the following criteria: it is a conservative change, it occurs at a poorly conserved position in the protein, it is predicted to be benign by multiple in silico algorithms, and/or has population frequency not consistent with disease.

NM_000257.4(MYH7):c.1578+187T>A

Gene: MYH7 (myosin heavy chain 7; minus strand). Cytogenetic location: 14q11.2.
Variant type: single nucleotide variant.
Coding change: c.1578+187T>A on transcript NM_000257.4 (MANE Select); 187 bases into the intron after coding-DNA position 1578, T replaced by A.
Molecular consequence: intron variant.
Genome position (GRCh38, 1-based): chr14:23,428,313, A>T on the plus strand (T>A on the coding strand, the complement: MYH7 is on the minus strand). VCF-style: chr14-23428313-A-T. GRCh37 (hg19) VCF-style: chr14-23897522-A-T.
Identifiers: ClinVar variation 675554 (VCV000675554.1), dbSNP rs150747712, ClinGen allele CA257822748.